The following is an entry in ClinVar:

ClinVar aggregate classification (germline): Uncertain significance (1 of 4 stars; one submission).

Conditions:
MEGF8-related Carpenter syndrome. Also called: Carpenter syndrome 2. Identifiers: Orphanet 65759, MedGen C3554247, MONDO:0013998, OMIM 614976.

Allele frequency attached by ClinVar (database versions not stated): gnomAD 0.00001; gnomAD exomes 0.00001 and 0.00002; TOPMed 0.00001; ExAC 0.00002; ESP Exome Variant Server 0.00008.
gnomAD v4.1: 14 of 1,611,654 alleles (0.00087%); highest among the groups gnomAD compares: Middle Eastern, 0.016%; no homozygotes.

Submission:

Labcorp Genetics (formerly Invitae), Labcorp
Classification: Uncertain significance for MEGF8-related Carpenter syndrome. Last evaluated: 2021-10-14. Review status: criteria provided, single submitter. Criteria: Invitae Variant Classification Sherloc (09022015). Collection method: clinical testing. Allele origin: germline.
Comment: In summary, the available evidence is currently insufficient to determine the role of this variant in disease. Therefore, it has been classified as a Variant of Uncertain Significance. Algorithms developed to predict the effect of sequence changes on RNA splicing suggest that this variant may create or strengthen a splice site. Algorithms developed to predict the effect of missense changes on protein structure and function are either unavailable or do not agree on the potential impact of this missense change (SIFT: "Tolerated"; PolyPhen-2: "Possibly Damaging"; Align-GVGD: "Class C0"). This variant has not been reported in the literature in individuals affected with MEGF8-related conditions. This variant is present in population databases (rs368683081, ExAC 0.01%). This sequence change replaces arginine with glutamine at codon 730 of the MEGF8 protein (p.Arg730Gln). The arginine residue is highly conserved and there is a small physicochemical difference between arginine and glutamine.

NM_001271938.2(MEGF8):c.2390G>A (p.Arg797Gln)

Gene: MEGF8 (multiple EGF like domains 8; plus strand). Cytogenetic location: 19q13.2.
Variant type: single nucleotide variant.
Coding change: c.2390G>A on transcript NM_001271938.2 (MANE Select); coding-DNA position 2390, G replaced by A.
Protein change: p.Arg797Gln; replaces arginine 797 with glutamine.
Molecular consequence: missense variant.
Genome position (GRCh38, 1-based): chr19:42,349,590, G>A. VCF-style: chr19-42349590-G-A. GRCh37 (hg19) VCF-style: chr19-42853742-G-A.
Other names: c.2189G>A, p.Arg730Gln (NM_001410.3); short protein forms R730Q, R797Q.
Identifiers: ClinVar variation 1501761 (VCV001501761.6), dbSNP rs368683081, ClinGen allele CA9474719.
Genomic context (GRCh38, chr19:42,349,590, plus strand): 5'-AGAAGGAGACGCGGCGGCTGCAGCGCCCTGGGTCTGCTCGCCTCTTCCCTCTGCCTGGGC[G>A]GGACCACAAGTATGCAGTAGAGATCCAGGGCCAGCTCAATGGCTCGGCAGGCCCTGGGCA-3'
Protein context (NP_001258867.1, residues 787-807): GSARLFPLPG[Arg797Gln]DHKYAVEIQG